The following is an entry in ClinVar:

NM_006767.4(LZTR1):c.532del (p.His178fs)

Gene: LZTR1 (leucine zipper like post translational regulator 1; plus strand). Cytogenetic location: 22q11.21.
Variant type: Deletion.
Coding change: c.532del on transcript NM_006767.4 (MANE Select); coding-DNA position 532, one base deleted (C; older notation c.532delC).
Protein change: p.His178fs; shifts the reading frame from histidine 178.
Molecular consequence: frameshift variant.
Genome position (GRCh38, 1-based): chr22:20,988,811, C deleted; the last of 3 consecutive C bases (chr22:20,988,809-20,988,811); deleting any one gives the same sequence. VCF-style (leftmost placement, unchanged base first): chr22-20988808-GC-G. GRCh37 (hg19) VCF-style: chr22-21343097-GC-G.
Other names: short protein forms H178fs.
Identifiers: ClinVar variation 2845432 (VCV002845432.3), dbSNP rs2518614076, ClinGen allele CA2739267804.

ClinVar aggregate classification (germline): Pathogenic (1 of 4 stars; one submission).

Submission:

Labcorp Genetics (formerly Invitae), Labcorp
Classification: Pathogenic. Last evaluated: 2024-01-18. Review status: criteria provided, single submitter. Criteria: Invitae Variant Classification Sherloc (09022015). Collection method: clinical testing. Allele origin: germline.
Comment: This sequence change creates a premature translational stop signal (p.His178Metfs*22) in the LZTR1 gene. It is expected to result in an absent or disrupted protein product. Loss-of-function variants in LZTR1 are known to be pathogenic (PMID: 24362817, 25335493, 25480913, 25795793, 29469822, 30368668, 30442762, 30442766, 30481304, 30859559). This variant is not present in population databases (gnomAD no frequency). This variant has not been reported in the literature in individuals affected with LZTR1-related conditions. For these reasons, this variant has been classified as Pathogenic.

Literature cited by the submitters: PubMed 24362817; PubMed 25335493; PubMed 25480913; PubMed 25795793; PubMed 29469822; PubMed 30368668; PubMed 30442762; PubMed 30442766; PubMed 30481304; PubMed 30859559.